The following is an entry in ClinVar:

NM_002691.4(POLD1):c.1383+8C>T

Gene: POLD1 (DNA polymerase delta 1, catalytic subunit; plus strand). Cytogenetic location: 19q13.33.
Variant type: single nucleotide variant.
Coding change: c.1383+8C>T on transcript NM_002691.4 (MANE Select); 8 bases into the intron after coding-DNA position 1383, C replaced by T.
Molecular consequence: intron variant.
Genome position (GRCh38, 1-based): chr19:50,406,330, C>T. VCF-style: chr19-50406330-C-T. GRCh37 (hg19) VCF-style: chr19-50909587-C-T.
Other names: c.1383+8C>T (LRG_785t2, LRG_785t1, NM_001308632.1 and 1 more transcripts).
Identifiers: ClinVar variation 239233 (VCV000239233.24), dbSNP rs374719944, ClinGen allele CA9596115.
Genomic context (GRCh38, chr19:50,406,330, plus strand): 5'-GGGACACCAAGGTTGTCAGCATGGTGGGCCGCGTGCAGATGGACATGCTGCAGGTATGGG[C>T]GGGAGGTGGGGTGTGTCCCTGTCCTTGGAAGGCCACTGCCCAGGCCCGCAGCCCACCAGC-3'

ClinVar aggregate classification (germline): Benign/Likely benign. Review status: criteria provided, multiple submitters, no conflicts (2 of 4 stars). 10 submissions from 10 submitters: Benign (2); Likely benign (6). 2 of the submissions do not count toward it. Last evaluated 2026-02-01.

Conditions:
Hereditary cancer-predisposing syndrome. Also called: Hereditary Cancer Syndrome; Neoplastic Syndromes, Hereditary; Hereditary neoplastic syndrome; Tumor predisposition. Identifiers: Orphanet 140162, MedGen C0027672, MeSH D009386, MONDO:0015356.
POLD1-related polyposis and colorectal cancer syndrome (CRCS10). Also called: COLORECTAL CANCER, SUSCEPTIBILITY TO, ON CHROMOSOME 19q; Colorectal cancer 10; Colorectal cancer, susceptibility to, 10. Identifiers: Orphanet 220460, MedGen C2675481, MONDO:0012953, OMIM 612591.
Polymerase proofreading-related adenomatous polyposis. Also called: Polymerase proofreading associated polyposis; Polymerase proofreading–associated polyposis (PPAP). Identifiers: Orphanet 447877, MedGen C5202613, MONDO:0018653.

Allele frequency attached by ClinVar (database versions not stated): gnomAD 0.00004 and 0.00007; TOPMed 0.00005; ESP Exome Variant Server 0.00008; gnomAD exomes 0.00011; ExAC 0.00015.
gnomAD v4.1: 192 of 1,613,478 alleles (0.012%); highest among the groups gnomAD compares: South Asian, 0.058%; 1 homozygote.

Submissions (12):

Labcorp Genetics (formerly Invitae), Labcorp
Classification: Likely benign for POLD1-related polyposis and colorectal cancer syndrome. Last evaluated: 2026-02-01. Review status: criteria provided, single submitter. Criteria: Invitae Variant Classification Sherloc (09022015). Collection method: clinical testing. Allele origin: germline.

Blueprint Genetics
Classification: Likely benign. Last evaluated: 2024-10-21. Review status: criteria provided, single submitter. Criteria: ACMG Guidelines, 2015. Collection method: clinical testing. Allele origin: germline.

KCCC/NGS Laboratory, Kuwait Cancer Control Center
Classification: Likely benign for POLD1-related polyposis and colorectal cancer syndrome. Last evaluated: 2023-07-07. Review status: criteria provided, single submitter. Criteria: ACMG Guidelines, 2015. Collection method: clinical testing. Allele origin: germline. Affected: yes.

Myriad Genetics, Inc.
Classification: Likely benign for POLD1-related polyposis and colorectal cancer syndrome. Last evaluated: 2023-04-19. Review status: criteria provided, single submitter. Criteria: Myriad Autosomal Dominant, Autosomal Recessive and X-Linked Classification Criteria (2023). Collection method: clinical testing. Allele origin: unknown.
Comment: This variant is considered likely benign. This variant is intronic and is not expected to impact mRNA splicing.

Quest Diagnostics Nichols Institute San Juan Capistrano
Classification: Benign. Last evaluated: 2022-10-28. Review status: criteria provided, single submitter. Criteria: Quest Diagnostics criteria. Collection method: clinical testing. Allele origin: unknown.

Sema4
Classification: Benign for Hereditary cancer-predisposing syndrome. Last evaluated: 2020-11-20. Review status: criteria provided, single submitter. Criteria: Sema4 Curation Guidelines. Collection method: curation. Allele origin: germline.

Mendelics
Classification: Likely benign for POLD1-related polyposis and colorectal cancer syndrome. Last evaluated: 2019-05-28. Review status: criteria provided, single submitter. Criteria: Mendelics Assertion Criteria 2017. Collection method: clinical testing. Allele origin: unknown.

GeneDx
Classification: Likely benign. Last evaluated: 2017-06-09. Review status: criteria provided, single submitter. Criteria: GeneDx Variant Classification (06012015). Collection method: clinical testing. Allele origin: germline. Affected: yes.
Comment: This variant is considered likely benign or benign based on one or more of the following criteria: it is a conservative change, it occurs at a poorly conserved position in the protein, it is predicted to be benign by multiple in silico algorithms, and/or has population frequency not consistent with disease.

Counsyl
Classification: Likely benign for POLD1-related polyposis and colorectal cancer syndrome. Last evaluated: 2016-10-07. Review status: no assertion criteria provided. Collection method: clinical testing. Allele origin: unknown. Not counted in ClinVar's aggregate classification.

Department of Pathology and Laboratory Medicine, Sinai Health System
Classification: Uncertain significance for Polymerase proofreading-related adenomatous polyposis. Review status: no assertion criteria provided. Collection method: clinical testing. Allele origin: unknown. Affected: yes. Study: The Canadian Open Genetics Repository (COGR). Not counted in ClinVar's aggregate classification.
Comment: The POLD1 c.1383+8C>T variant was not identified in the literature. The variant was identified in dbSNP (ID: rs374719944) as "With Likely benign allele", in ClinVar (classified as likely benign by Invitae, Counsyl, GeneDx, and Quest Diagnostics). The variant was identified in control databases in 31 of 276268 chromosomes at a frequency of 0.0001 (Genome Aggregation Database Feb 27, 2017). The variant was observed in the following populations: Other in 1 of 6446 chromosomes (freq: 0.0002), Latino in 1 of 34382 chromosomes (freq: 0.00003), European Non-Finnish in 7 of 126178 chromosomes (freq: 0.000055), East Asian in 2 of 18856 chromosomes (freq: 0.0001), and South Asian in 20 of 30752 chromosomes (freq: 0.00065), while the variant was not observed in the African, Ashkenazi Jewish, or Finnish populations. The variant occurs outside of the splicing consensus sequence and 1 of 4 in silico or computational prediction software programs (SpliceSiteFinder, MaxEntScan, NNSPLICE, GeneSplicer) predict a greater than 10% difference in splicing; this is not very predictive of pathogenicity. In summary, based on the above information the clinical significance of this variant cannot be determined with certainty at this time. This variant is classified as a variant of uncertain significance.

Dr. Peter K. Rogan Lab, Western University
No classification provided (evidence only). Condition: Uterine corpus endometrial carcinoma. Review status: no classification provided. Collection method: in vitro. Allele origin: not applicable. Functional consequence: retained intron. Not counted in ClinVar's aggregate classification.

Dr. Peter K. Rogan Lab, Western University
No classification provided (evidence only). Condition: Malignant lymphoma, large B-cell, diffuse. Review status: no classification provided. Collection method: in vitro. Allele origin: not applicable. Functional consequence: retained intron. Not counted in ClinVar's aggregate classification.